The following is an entry in ClinVar:

NM_016366.3(CABP2):c.547G>A (p.Ala183Thr)

Gene: CABP2 (calcium binding protein 2; minus strand). Cytogenetic location: 11q13.2.
Variant type: single nucleotide variant.
Coding change: c.547G>A on transcript NM_016366.3 (MANE Select); coding-DNA position 547, G replaced by A.
Protein change: p.Ala183Thr; replaces alanine 183 with threonine.
Molecular consequence: missense variant.
Genome position (GRCh38, 1-based): chr11:67,519,883, C>T on the plus strand (G>A on the coding strand, the complement: CABP2 is on the minus strand). VCF-style: chr11-67519883-C-T. GRCh37 (hg19) VCF-style: chr11-67287354-C-T.
Other names: c.565G>A, p.Ala189Thr (NM_001318496.2); short protein forms A183T, A189T.
Identifiers: ClinVar variation 1329618 (VCV001329618.8), dbSNP rs117096937, ClinGen allele CA6142386.

ClinVar aggregate classification (germline): Uncertain significance. Review status: criteria provided, multiple submitters, no conflicts (2 of 4 stars). 4 submissions from 4 submitters: Uncertain significance (4). Last evaluated 2026-06-22.

Conditions:
CABP2-related disorder. Also called: CABP2-related condition.

Allele frequency attached by ClinVar (database versions not stated): TOPMed 0.00005; gnomAD 0.00006 and 0.00015; gnomAD exomes 0.00007; ExAC 0.00009; 1000 Genomes Project 30x 0.00078; 1000 Genomes Project 0.00100.

Submissions (4):

PreventionGenetics, part of Exact Sciences
Classification: Uncertain significance for CABP2-related condition. Last evaluated: 2026-06-22. Review status: criteria provided, single submitter. Criteria: ACMG Guidelines, 2015. Collection method: clinical testing. Allele origin: germline.
Comment: The CABP2 c.547G>A variant is predicted to result in the amino acid substitution p.Ala183Thr. To our knowledge, this variant has not been reported in the literature. This variant is reported in 0.082% of alleles in individuals of East Asian descent in gnomAD. Although we suspect that this variant may be benign, at this time, the clinical significance of this variant is uncertain due to the absence of conclusive functional and genetic evidence.

Labcorp Genetics (formerly Invitae), Labcorp
Classification: Uncertain significance. Last evaluated: 2025-11-17. Review status: criteria provided, single submitter. Criteria: Invitae Variant Classification Sherloc (09022015). Collection method: clinical testing. Allele origin: germline.
Comment: This sequence change replaces alanine, which is neutral and non-polar, with threonine, which is neutral and polar, at codon 183 of the CABP2 protein (p.Ala183Thr). This variant is present in population databases (rs117096937, gnomAD 0.09%). This variant has not been reported in the literature in individuals affected with CABP2-related conditions. ClinVar contains an entry for this variant (Variation ID: 1329618). An algorithm developed to predict the effect of missense changes on protein structure and function (PolyPhen-2) suggests that this variant is likely to be tolerated. In summary, the available evidence is currently insufficient to determine the role of this variant in disease. Therefore, it has been classified as a Variant of Uncertain Significance.

GeneDx
Classification: Uncertain significance. Last evaluated: 2021-06-21. Review status: criteria provided, single submitter. Criteria: GeneDx Variant Classification Process June 2021. Collection method: clinical testing. Allele origin: germline. Affected: yes.
Comment: In silico analysis supports that this missense variant does not alter protein structure/function; Has not been previously published as pathogenic or benign to our knowledge; This variant is associated with the following publications: (PMID: 27535533)

Blueprint Genetics
Classification: Uncertain significance. Last evaluated: 2020-11-11. Review status: criteria provided, single submitter. Criteria: ACMG Guidelines, 2015. Collection method: clinical testing. Allele origin: germline.